The following is an entry in ClinVar:

ClinVar aggregate classification (germline): Uncertain significance. Review status: criteria provided, multiple submitters, no conflicts (2 of 4 stars). 3 submissions from 3 submitters: Uncertain significance (3). Last evaluated 2023-08-08.

Conditions:
Inborn genetic diseases. Identifiers: MedGen C0950123, MeSH D030342.
Congenital myasthenic syndrome 11. Also called: Myasthenic syndrome, congenital, 11, associated with acetylcholine receptor deficiency; MYASTHENIC SYNDROME, CONGENITAL, Ie. Identifiers: Orphanet 590, MedGen C4225367, MONDO:0014588, OMIM 616326.
Fetal akinesia deformation sequence 1 (FADS1). Also called: Fetal akinesia sequence; Pena-Shokeir syndrome type I. Identifiers: Orphanet 994, MedGen C1276035, MONDO:0100101, OMIM 208150, HP:0001989.

Allele frequency attached by ClinVar (database versions not stated): gnomAD exomes 0.00001 and 0.00002; ExAC 0.00002; TOPMed below 0.00001; gnomAD 0.00001.

Submissions (3):

Ambry Genetics
Classification: Uncertain significance for Inborn genetic diseases. Last evaluated: 2023-08-08. Review status: criteria provided, single submitter. Criteria: Ambry Variant Classification Scheme 2023. Collection method: clinical testing. Allele origin: germline.

Revvity Omics, Revvity
Classification: Uncertain significance. Last evaluated: 2022-11-22. Review status: criteria provided, single submitter. Criteria: ACMG Guidelines, 2015. Collection method: clinical testing. Allele origin: germline.

Labcorp Genetics (formerly Invitae), Labcorp
Classification: Uncertain significance for Congenital myasthenic syndrome 11; Fetal akinesia deformation sequence 1. Last evaluated: 2021-12-11. Review status: criteria provided, single submitter. Criteria: Invitae Variant Classification Sherloc (09022015). Collection method: clinical testing. Allele origin: germline.
Comment: This sequence change replaces methionine, which is neutral and non-polar, with threonine, which is neutral and polar, at codon 160 of the RAPSN protein (p.Met160Thr). This variant is present in population databases (rs780985479, gnomAD 0.02%). This variant has not been reported in the literature in individuals affected with RAPSN-related conditions. Algorithms developed to predict the effect of missense changes on protein structure and function are either unavailable or do not agree on the potential impact of this missense change (SIFT: "Deleterious"; PolyPhen-2: "Benign"; Align-GVGD: "Class C0"). In summary, the available evidence is currently insufficient to determine the role of this variant in disease. Therefore, it has been classified as a Variant of Uncertain Significance.

NM_005055.5(RAPSN):c.479T>C (p.Met160Thr)

Gene: RAPSN (receptor associated protein of the synapse; minus strand). Cytogenetic location: 11p11.2.
Variant type: single nucleotide variant.
Coding change: c.479T>C on transcript NM_005055.5 (MANE Select); coding-DNA position 479, T replaced by C.
Protein change: p.Met160Thr; replaces methionine 160 with threonine.
Molecular consequence: missense variant.
Genome position (GRCh38, 1-based): chr11:47,447,864, A>G on the plus strand (T>C on the coding strand, the complement: RAPSN is on the minus strand). VCF-style: chr11-47447864-A-G. GRCh37 (hg19) VCF-style: chr11-47469416-A-G.
Other names: c.479T>C (NM_005055.4); c.479T>C, p.Met160Thr (NM_032645.5); short protein forms M160T.
Identifiers: ClinVar variation 1391785 (VCV001391785.7), dbSNP rs780985479, ClinGen allele CA5976736.